The following is an entry in ClinVar:

NM_000458.4(HNF1B):c.592A>C (p.Ser198Arg)

Genes: HNF1B (HNF1 homeobox B; minus strand), LOC126862549 (BRD4-independent group 4 enhancer GRCh37_chr17:36093401-36094600; plus strand). Cytogenetic location: 17q12.
Variant type: single nucleotide variant.
Coding change: c.592A>C on transcript NM_000458.4 (MANE Select); coding-DNA position 592, A replaced by C.
Protein change: p.Ser198Arg; replaces serine 198 with arginine.
Molecular consequence: missense variant. On other transcripts: intron variant (2).
Genome position (GRCh38, 1-based): chr17:37,733,774, T>G on the plus strand (A>C on the coding strand, the complement: HNF1B is on the minus strand). VCF-style: chr17-37733774-T-G. GRCh37 (hg19) VCF-style: chr17-36093767-T-G.
Other names: c.545-31A>C (NM_001304286.2, NM_001165923.4); c.592A>C (NM_000458.3); short protein forms S198R.
Identifiers: ClinVar variation 546210 (VCV000546210.8), dbSNP rs1321074352, ClinGen allele CA398749786.
Genomic context (GRCh38, chr17:37,733,774, plus strand): 5'-GCCCAGGCCCATGGCTCTGTTGACTGAACTCTGGAAAGAGAAACAGCAGCTGATCCTGAC[T>G]GCTTTTGTCTGTCATATTTCCAGAACTCTGGACTGTCTGGTTGAATTCTGAAAAGAGAAA-3'
Protein context (NP_000449.1, residues 188-208): QSSGNMTDKS[Ser198Arg]QDQLLFLFPE

ClinVar aggregate classification (germline): Uncertain significance/Uncertain risk allele. Review status: criteria provided, multiple submitters, no conflicts (2 of 4 stars). 5 submissions from 5 submitters: Uncertain significance (4); Uncertain risk allele (1). Last evaluated 2025-10-23.

Conditions:
Maturity-onset diabetes of the young (MODY). Also called: Maturity onset diabetes mellitus in young. Identifiers: Orphanet 552, MedGen C0342276, MONDO:0018911, HP:0004904.
Nonpapillary renal cell carcinoma. Identifiers: Orphanet 422526, MedGen CN074294, MONDO:0007763, OMIM 144700.
Renal cysts and diabetes syndrome (RCAD). Also called: Familial hypoplastic, glomerulocystic kidney; MATURITY-ONSET DIABETES OF THE YOUNG, TYPE 5. Identifiers: Orphanet 93111, MedGen C0431693, MONDO:0007669, OMIM 137920.
Type 2 diabetes mellitus. Also called: Type II diabetes mellitus. Identifiers: MedGen C0011860, MeSH D003924, MONDO:0005148, OMIM 125853, HP:0005978.
HNF1B-related disorder. Also called: HNF1B-related condition; HNF1B-related disorders.

Allele frequency attached by ClinVar (database versions not stated): gnomAD exomes below 0.00001; gnomAD 0.00001; TOPMed 0.00001.

Submissions (5):

Labcorp Genetics (formerly Invitae), Labcorp
Classification: Uncertain significance. Last evaluated: 2025-10-23. Review status: criteria provided, single submitter. Criteria: Invitae Variant Classification Sherloc (09022015). Collection method: clinical testing. Allele origin: germline.
Comment: This sequence change replaces serine, which is neutral and polar, with arginine, which is basic and polar, at codon 198 of the HNF1B protein (p.Ser198Arg). This variant is present in population databases (no rsID available, gnomAD 0.007%). This variant has not been reported in the literature in individuals affected with HNF1B-related conditions. ClinVar contains an entry for this variant (Variation ID: 546210). Invitae Evidence Modeling of protein sequence and biophysical properties (such as structural, functional, and spatial information, amino acid conservation, physicochemical variation, residue mobility, and thermodynamic stability) indicates that this missense variant is expected to disrupt HNF1B protein function with a positive predictive value of 95%. In summary, the available evidence is currently insufficient to determine the role of this variant in disease. Therefore, it has been classified as a Variant of Uncertain Significance.

PreventionGenetics, part of Exact Sciences
Classification: Uncertain significance for HNF1B-related condition. Last evaluated: 2024-10-24. Review status: criteria provided, single submitter. Criteria: ACMG Guidelines, 2015. Collection method: clinical testing. Allele origin: germline.
Comment: The HNF1B c.592A>C variant is predicted to result in the amino acid substitution p.Ser198Arg. To our knowledge, this variant has not been reported in the literature. This variant is reported in 0.0062% of alleles in individuals of African descent in gnomAD. At this time, the clinical significance of this variant is uncertain due to the absence of conclusive functional and genetic evidence.

Fulgent Genetics
Classification: Uncertain significance for Type 2 diabetes mellitus; Renal cysts and diabetes syndrome; Nonpapillary renal cell carcinoma. Last evaluated: 2024-02-19. Review status: criteria provided, single submitter. Criteria: ACMG Guidelines, 2015. Collection method: clinical testing. Allele origin: germline.

GeneDx
Classification: Uncertain significance. Last evaluated: 2020-11-18. Review status: criteria provided, single submitter. Criteria: GeneDx Variant Classification Process June 2021. Collection method: clinical testing. Allele origin: germline. Affected: yes.
Comment: In silico analysis supports that this missense variant does not alter protein structure/function; Has not been previously published as pathogenic or benign to our knowledge

Clinical Genomics, Uppaluri K&H Personalized Medicine Clinic
Classification: Uncertain risk allele for Maturity-onset diabetes of the young. Review status: criteria provided, single submitter. Criteria: K & H Uppaluri Personalized Medicine Clinic Variant Classification & Assertion Criteria_Updated V.1. Collection method: research. Allele origin: unknown. Inheritance: Autosomal dominant inheritance.
Comment: HNF1B gene mutations are associated with early onset diabetes and pancreatic atrophy. It is also associated with multiple renal manifestations including renal cysts, Tubulointerstitial disease, glomerulocystic disease, renal hypoplasia, hypomagnesemia. However no sufficient evidence is found to ascertain the role of this particular variant rs1321074352, yet.

Literature cited by the submitters: PubMed 24897035 (cited by Clinical Genomics, Uppaluri K&H Personalized Medicine Clinic); PubMed 25536396 (cited by Clinical Genomics, Uppaluri K&H Personalized Medicine Clinic); PubMed 27615128 (cited by Clinical Genomics, Uppaluri K&H Personalized Medicine Clinic); PubMed 28215227 (cited by Clinical Genomics, Uppaluri K&H Personalized Medicine Clinic); PubMed 33434175 (cited by Clinical Genomics, Uppaluri K&H Personalized Medicine Clinic); PubMed 25741167 (cited by Clinical Genomics, Uppaluri K&H Personalized Medicine Clinic); PubMed 26340261 (cited by Clinical Genomics, Uppaluri K&H Personalized Medicine Clinic); PubMed 19639018 (cited by Clinical Genomics, Uppaluri K&H Personalized Medicine Clinic).